The following is an entry in ClinVar:

NM_004304.5(ALK):c.3030C>T (p.His1010=)

Gene: ALK (ALK receptor tyrosine kinase; minus strand). Cytogenetic location: 2p23.2.
Variant type: single nucleotide variant.
Coding change: c.3030C>T on transcript NM_004304.5 (MANE Select); coding-DNA position 3030, C replaced by T.
Protein change: p.His1010=; no amino-acid change (histidine 1010 retained).
Molecular consequence: synonymous variant.
Genome position (GRCh38, 1-based): chr2:29,226,959, G>A on the plus strand (C>T on the coding strand, the complement: ALK is on the minus strand). VCF-style: chr2-29226959-G-A. GRCh37 (hg19) VCF-style: chr2-29449825-G-A.
Identifiers: ClinVar variation 239817 (VCV000239817.22), dbSNP rs367642503, ClinGen allele CA1594111.
Genomic context (GRCh38, chr2:29,226,959, plus strand): 5'-CTCCCCTGGCCCTGCCCCCTTACCAATGCAGGAGACGCCATCCTCAGCCAGCACCGTCCC[G>A]TGGTCACAGAAGCAGATGACCTTGTGGCTTTCAGGGTCCATGTGACATTCGTCTACCTCA-3'
Protein context (NP_004295.2, residues 1000-1020): ESHKVICFCD[His1010=]GTVLAEDGVS

ClinVar aggregate classification (germline): Benign/Likely benign. Review status: criteria provided, multiple submitters, no conflicts (2 of 4 stars). 7 submissions from 7 submitters: Benign (1); Likely benign (5). 1 of the submissions does not count toward it. Last evaluated 2026-01-28.

Conditions:
ALK-related disorder. Also called: ALK-related condition.
Hereditary cancer-predisposing syndrome. Also called: Neoplastic Syndromes, Hereditary; Hereditary Cancer Syndrome; Tumor predisposition; Hereditary neoplastic syndrome. Identifiers: Orphanet 140162, MedGen C0027672, MeSH D009386, MONDO:0015356.
Neuroblastoma, susceptibility to, 3. Also called: ALK-Related Neuroblastic Tumor Susceptibility. Identifiers: Orphanet 635, MedGen C2751681, MONDO:0013083, OMIM 613014.

Allele frequency attached by ClinVar (database versions not stated): TOPMed 0.00003; gnomAD exomes 0.00004 and 0.00005; gnomAD 0.00005; ExAC 0.00007.
gnomAD v4.1: 72 of 1,614,186 alleles (0.0045%); highest among the groups gnomAD compares: African/African-American, 0.012%; no homozygotes.

Submissions (7):

Labcorp Genetics (formerly Invitae), Labcorp
Classification: Likely benign for Neuroblastoma, susceptibility to, 3. Last evaluated: 2026-01-28. Review status: criteria provided, single submitter. Criteria: Invitae Variant Classification Sherloc (09022015). Collection method: clinical testing. Allele origin: germline.

Blueprint Genetics
Classification: Likely benign. Last evaluated: 2024-11-11. Review status: criteria provided, single submitter. Criteria: ACMG Guidelines, 2015. Collection method: clinical testing. Allele origin: germline.

Ambry Genetics
Classification: Likely benign for Hereditary cancer-predisposing syndrome. Last evaluated: 2022-02-12. Review status: criteria provided, single submitter. Criteria: Ambry Variant Classification Scheme 2023. Collection method: clinical testing. Allele origin: germline.

Sema4
Classification: Likely benign for Hereditary cancer-predisposing syndrome. Last evaluated: 2021-03-15. Review status: criteria provided, single submitter. Criteria: Sema4 Curation Guidelines. Collection method: curation. Allele origin: germline.

Women's Health and Genetics/Laboratory Corporation of America, LabCorp
Classification: Benign. Last evaluated: 2019-05-14. Review status: criteria provided, single submitter. Criteria: LabCorp Variant Classification Summary - May 2015. Collection method: clinical testing. Allele origin: germline.
Comment: Variant summary: ALK c.3030C>T alters a non-conserved nucleotide resulting in a synonymous change. 5/5 computational tools predict no significant impact on normal splicing. However, these predictions have yet to be confirmed by functional studies. The variant allele was found at a frequency of 4.8e-05 in 251458 control chromosomes (gnomAD). The observed variant frequency is approximately 114 fold of the estimated maximal expected allele frequency for a pathogenic variant in ALK causing Neuroblastoma, Susceptibility Type 3 phenotype (4.2e-07), strongly suggesting that the variant is benign. To our knowledge, no occurrence of c.3030C>T in individuals affected with Neuroblastoma, Susceptibility Type 3 and no experimental evidence demonstrating its impact on protein function have been reported. One ClinVar submission from clinical diagnostic laboratory (evaluation after 2014) cites the variant as likely benign. Based on the evidence outlined above, the variant was classified as benign.

Illumina Laboratory Services, Illumina
Classification: Likely benign for Neuroblastoma, susceptibility to, 3. Last evaluated: 2018-01-13. Review status: criteria provided, single submitter. Criteria: ICSL Variant Classification Criteria 13 December 2019. Collection method: clinical testing. Allele origin: germline.
Comment: This variant was observed in the ICSL laboratory as part of a predisposition screen in an ostensibly healthy population. It had not been previously curated by ICSL or reported in the Human Gene Mutation Database (HGMD: prior to June 1st, 2018), and was therefore a candidate for classification through an automated scoring system. Utilizing variant allele frequency, disease prevalence and penetrance estimates, and inheritance mode, an automated score was calculated to assess if this variant is too frequent to cause the disease. Based on the score and internal cut-off values, a variant classified as likely benign is not then subjected to further curation. The score for this variant resulted in a classification of likely benign for this disease.

PreventionGenetics, part of Exact Sciences
Classification: Likely benign for ALK-related condition. Last evaluated: 2019-04-04. Review status: no assertion criteria provided. Collection method: clinical testing. Allele origin: germline. Not counted in ClinVar's aggregate classification.
Comment: This variant is classified as likely benign based on ACMG/AMP sequence variant interpretation guidelines (Richards et al. 2015 PMID: 25741868, with internal and published modifications).